The following is an entry in ClinVar:

ClinVar aggregate classification (germline): Pathogenic. Review status: reviewed by expert panel (3 of 4 stars). 12 submissions from 12 submitters: Pathogenic (1). 11 of the submissions do not count toward it. Last evaluated 2016-09-08.

Conditions:
Breast and/or ovarian cancer. Identifiers: MedGen CN221562.
Hereditary cancer-predisposing syndrome. Also called: Tumor predisposition; Neoplastic Syndromes, Hereditary; Hereditary Cancer Syndrome; Hereditary neoplastic syndrome. Identifiers: Orphanet 140162, MedGen C0027672, MeSH D009386, MONDO:0015356.
Hereditary breast ovarian cancer syndrome. Also called: Hereditary breast and ovarian cancer syndrome (HBOC); Hereditary breast and ovarian cancer syndrome; Hereditary breast and ovarian cancer; Hereditary breast and/or ovarian cancer syndrome; Breast and ovarian cancer; BRCA1- and BRCA2-Associated Hereditary Breast and Ovarian Cancer. Identifiers: Orphanet 145, MedGen C0677776, MeSH D061325, MONDO:0003582. Disease mechanism: loss of function.
Breast-ovarian cancer, familial, susceptibility to, 1 (BROVCA1). Also called: OVARIAN CANCER, SUSCEPTIBILITY TO; BRCA1 Hereditary Breast and Ovarian Cancer. Identifiers: Orphanet 145, MedGen C2676676, MONDO:0011450, OMIM 604370. Disease mechanism: loss of function.
Familial cancer of breast. Also called: Hereditary breast cancer; hereditary breast carcinoma; BREAST CANCER, FAMILIAL. Identifiers: Orphanet 227535, MedGen C0346153, MONDO:0016419, OMIM 114480. Disease mechanism: loss of function.

Submissions (12):

Evidence-based Network for the Interpretation of Germline Mutant Alleles (ENIGMA)
Classification: Pathogenic for Breast-ovarian cancer, familial, susceptibility to, 1. Last evaluated: 2016-09-08. Review status: reviewed by expert panel. Criteria: ENIGMA BRCA1/2 Classification Criteria (2015). Collection method: curation. Allele origin: germline.
Comment: Variant allele predicted to encode a truncated non-functional protein.

Women's Health and Genetics/Laboratory Corporation of America, LabCorp
Classification: Pathogenic for Hereditary breast ovarian cancer syndrome. Last evaluated: 2026-06-05. Review status: criteria provided, single submitter. Criteria: LabCorp Variant Classification Summary - May 2015. Collection method: clinical testing. Allele origin: germline. Not counted in ClinVar's aggregate classification.
Comment: Variant summary: BRCA1 c.2635G>T (p.Glu879X) results in a premature termination codon, predicted to cause a truncation of the encoded protein or absence of the protein due to nonsense mediated decay, which are commonly known mechanisms for disease. Loss-of-function variants in this gene are known to be pathogenic. The variant was absent in 251114 control chromosomes. c.2635G>T has been observed in at least one individual affected with BRCA1-related breast cancer (Khoo_2000). To our knowledge, no experimental evidence demonstrating an impact on protein function has been reported. The following publication have been ascertained in the context of this evaluation (PMID: 10790221). ClinVar contains an entry for this variant (Variation ID: 37478). Based on the evidence outlined above, the variant was classified as pathogenic.

Labcorp Genetics (formerly Invitae), Labcorp
Classification: Pathogenic for Hereditary breast ovarian cancer syndrome. Last evaluated: 2024-10-17. Review status: criteria provided, single submitter. Criteria: Invitae Variant Classification Sherloc (09022015). Collection method: clinical testing. Allele origin: germline. Not counted in ClinVar's aggregate classification.
Comment: This sequence change creates a premature translational stop signal (p.Glu879*) in the BRCA1 gene. It is expected to result in an absent or disrupted protein product. Loss-of-function variants in BRCA1 are known to be pathogenic (PMID: 20104584). This variant is not present in population databases (gnomAD no frequency). This premature translational stop signal has been observed in individual(s) with breast and ovarian cancer (PMID: 10790221, 22970155, 24578176, 26541979). ClinVar contains an entry for this variant (Variation ID: 37478). For these reasons, this variant has been classified as Pathogenic.

Ambry Genetics
Classification: Pathogenic for Hereditary cancer-predisposing syndrome. Last evaluated: 2024-08-22. Review status: criteria provided, single submitter. Criteria: Ambry Variant Classification Scheme 2023. Collection method: clinical testing. Allele origin: germline. Not counted in ClinVar's aggregate classification.
Comment: The p.E879* pathogenic mutation (also known as c.2635G>T), located in coding exon 9 of the BRCA1 gene, results from a G to T substitution at nucleotide position 2635. This changes the amino acid from a glutamic acid to a stop codon within coding exon 9. This alteration had been identified in multiple individuals with hereditary breast and/or ovarian cancer (Khoo AS et al. Hum. Mutat. 2000 May;15:485; Kang PC et al. Breast Cancer Res. Treat. 2014 Apr;144:635-42; Kwong A et al. Breast Cancer Res. Treat. 2009 Oct;117:683-6). In addition to the clinical data presented in the literature, this alteration is expected to result in loss of function by premature protein truncation or nonsense-mediated mRNA decay. As such, this alteration is interpreted as a disease-causing mutation.

Color Diagnostics, LLC DBA Color Health
Classification: Pathogenic for Hereditary cancer-predisposing syndrome. Last evaluated: 2020-01-15. Review status: criteria provided, single submitter. Criteria: ACMG Guidelines, 2015. Collection method: clinical testing. Allele origin: germline. Not counted in ClinVar's aggregate classification.
Comment: This variant changes 1 nucleotide in exon 10 of the BRCA1 gene, creating a premature translation stop signal. This variant is expected to result in an absent or non-functional protein product. This variant has not been identified in the general population by the Genome Aggregation Database (gnomAD). Loss of BRCA1 function is a known mechanism of disease. Based on the available evidence, this variant is classified as Pathogenic.

CHEO Genetics Diagnostic Laboratory, Children's Hospital of Eastern Ontario
Classification: Pathogenic for Breast and/or ovarian cancer. Last evaluated: 2017-01-23. Review status: criteria provided, single submitter. Criteria: ACMG Guidelines, 2015. Collection method: clinical testing. Allele origin: germline. Study: Canadian Open Genetics Repository. Not counted in ClinVar's aggregate classification.

Consortium of Investigators of Modifiers of BRCA1/2 (CIMBA), c/o University of Cambridge
Classification: Pathogenic for Breast-ovarian cancer, familial, susceptibility to, 1. Last evaluated: 2015-10-02. Review status: criteria provided, single submitter. Criteria: CIMBA Mutation Classification guidelines May 2016. Collection method: clinical testing. Allele origin: germline. Not counted in ClinVar's aggregate classification.

GeneDx
Classification: Likely pathogenic. Last evaluated: 2015-09-29. Review status: criteria provided, single submitter. Criteria: GeneDx Variant Classification (06012015). Collection method: clinical testing. Allele origin: germline. Affected: yes. Not counted in ClinVar's aggregate classification.
Comment: This likely pathogenic variant is denoted BRCA1 c.2635G>T at the cDNA level and p.Glu879Ter (E879X) at the protein level. The substitution creates a nonsense variant, which changes a Glutamic Acid to a premature stop codon (GAA>TAA), and is predicted to cause loss of normal protein function through either protein truncation or nonsense-mediated mRNA decay. This variant has been reported in Chinese individuals with breast and/or ovarian cancer (Khoo 2000, Kwong 2009) and is considered likely pathogenic.

Research Molecular Genetics Laboratory, Women's College Hospital, University of Toronto
Classification: Pathogenic for Hereditary breast ovarian cancer syndrome. Last evaluated: 2014-01-31. Review status: no assertion criteria provided. Collection method: research. Allele origin: germline. Affected: yes. Study: The Canadian Open Genetics Repository (COGR). Not counted in ClinVar's aggregate classification.

Sharing Clinical Reports Project (SCRP)
Classification: Pathogenic for Breast-ovarian cancer, familial 1. Last evaluated: 2006-09-27. Review status: no assertion criteria provided. Collection method: clinical testing. Allele origin: germline. Not counted in ClinVar's aggregate classification.

Breast Cancer Information Core (BIC) (BRCA1)
No classification provided. Condition: Breast-ovarian cancer, familial 1. Review status: no classification provided. Collection method: clinical testing. Allele origin: germline, somatic, unknown. Affected: yes. Observed: 4 variant alleles. Not counted in ClinVar's aggregate classification.

Center for Precision Medicine, Meizhou People's Hospital
Classification: Pathogenic for Familial cancer of breast. Review status: no assertion criteria provided. Collection method: literature only. Allele origin: germline. Affected: yes. Not counted in ClinVar's aggregate classification.

Literature cited by the submitters: PubMed 10790221 (cited by 3 submitters); PubMed 20104584 (cited by Labcorp Genetics (formerly Invitae), Labcorp); PubMed 22970155 (cited by Labcorp Genetics (formerly Invitae), Labcorp); PubMed 24578176 (cited by 3 submitters); PubMed 26541979 (cited by Labcorp Genetics (formerly Invitae), Labcorp); PubMed 19353265 (cited by Ambry Genetics and Center for Precision Medicine, Meizhou People's Hospital).

NM_007294.4(BRCA1):c.2635G>T (p.Glu879Ter)

Gene: BRCA1 (BRCA1 DNA repair associated; minus strand). Cytogenetic location: 17q21.31.
Variant type: single nucleotide variant.
Coding change: c.2635G>T on transcript NM_007294.4 (MANE Select); coding-DNA position 2635, G replaced by T.
Protein change: p.Glu879Ter; replaces glutamic acid 879 with a stop codon.
Molecular consequence: nonsense. On other transcripts: intron variant (137).
Genome position (GRCh38, 1-based): chr17:43,092,896, C>A on the plus strand (G>T on the coding strand, the complement: BRCA1 is on the minus strand). VCF-style: chr17-43092896-C-A. GRCh37 (hg19) VCF-style: chr17-41244913-C-A.
Other names: c.2422G>T, p.Glu808Ter (NM_001407571.1, NM_001407853.1, NM_001407894.1 and 9 more transcripts); c.2635G>T, p.Glu879Ter (NM_001407581.1, NM_001407582.1, NM_001407583.1 and 30 more transcripts); c.2632G>T, p.Glu878Ter (NM_001407587.1, NM_001407590.1, NM_001407591.1 and 22 more transcripts); c.2626G>T, p.Glu876Ter (NM_001407646.1, NM_001407647.1); c.2512G>T, p.Glu838Ter (NM_001407648.1, NM_001407664.1, NM_001407665.1 and 19 more transcripts); c.2509G>T, p.Glu837Ter (NM_001407649.1, NM_001407670.1, NM_001407671.1 and 11 more transcripts); c.2557G>T, p.Glu853Ter (NM_001407653.1, NM_001407654.1, NM_001407655.1 and 4 more transcripts); c.2554G>T, p.Glu852Ter (NM_001407659.1, NM_001407660.1, NM_001407661.1 and 1 more transcripts); and 41 more; short protein forms E879*, E832*, E583*, E767*, E791*, E808*, E837*, E838*.
Identifiers: ClinVar variation 37478 (VCV000037478.27), dbSNP rs80357251, ClinGen allele CA001729.
Genomic context (GRCh38, chr17:43,092,896, plus strand): 5'-CTTTTGGACTTTGTTTCTTTAAGGACCCAGAGTGGGCAGAGAATGTTGCACATTCCTCTT[C>A]TGCATTTCCTGGATTTGAAAACGGAGCAAATGACTGGCGCTTTGAAACCTTGAATGTATT-3'